The following is an entry in ClinVar:

ClinVar aggregate classification (germline): Likely benign (0 of 4 stars; one submission).

Conditions:
TDRD9-related disorder. Also called: TDRD9-related condition.

Allele frequency attached by ClinVar (database versions not stated): 1000 Genomes Project 30x 0.00500; 1000 Genomes Project 0.00539; ExAC 0.01170; TOPMed 0.01492; gnomAD 0.01606; ESP Exome Variant Server 0.01840; gnomAD exomes 0.02413.
gnomAD v4.1: 35,639 of 1,546,794 alleles (2.3%); highest among the groups gnomAD compares: Non-Finnish European, 2.9%; 525 homozygotes.

Submission:

PreventionGenetics, part of Exact Sciences
Classification: Likely benign for TDRD9-related condition. Last evaluated: 2019-03-08. Review status: no assertion criteria provided. Collection method: clinical testing. Allele origin: germline.
Comment: This variant is classified as likely benign based on ACMG/AMP sequence variant interpretation guidelines (Richards et al. 2015 PMID: 25741868, with internal and published modifications).

NM_153046.3(TDRD9):c.3514G>A (p.Val1172Ile)

Gene: TDRD9 (tudor domain containing 9; plus strand). Cytogenetic location: 14q32.33.
Variant type: single nucleotide variant.
Coding change: c.3514G>A on transcript NM_153046.3 (MANE Select); coding-DNA position 3514, G replaced by A.
Protein change: p.Val1172Ile; replaces valine 1172 with isoleucine.
Molecular consequence: missense variant.
Genome position (GRCh38, 1-based): chr14:104,033,964, G>A. VCF-style: chr14-104033964-G-A. GRCh37 (hg19) VCF-style: chr14-104500301-G-A.
Other names: short protein forms V1172I.
Identifiers: ClinVar variation 3038382 (VCV003038382.2), dbSNP rs76761167, ClinGen allele CA7369107.